The following is an entry in ClinVar:

ClinVar aggregate classification (germline): Uncertain significance. Review status: criteria provided, multiple submitters, no conflicts (2 of 4 stars). 2 submissions from 2 submitters: Uncertain significance (2). Last evaluated 2024-09-09.

Conditions:
Inborn genetic diseases. Identifiers: MedGen C0950123, MeSH D030342.

Allele frequency attached by ClinVar (database versions not stated): gnomAD exomes below 0.00001; TOPMed below 0.00001; gnomAD 0.00001; ExAC 0.00003.
gnomAD v4.1: 9 of 1,614,060 alleles (0.00056%); highest among the groups gnomAD compares: East Asian, 0.016%; no homozygotes.

Submissions (2):

Labcorp Genetics (formerly Invitae), Labcorp
Classification: Uncertain significance. Last evaluated: 2024-09-09. Review status: criteria provided, single submitter. Criteria: Invitae Variant Classification Sherloc (09022015). Collection method: clinical testing. Allele origin: germline.
Comment: This sequence change replaces glutamic acid, which is acidic and polar, with glycine, which is neutral and non-polar, at codon 523 of the ARHGAP31 protein (p.Glu523Gly). This variant is present in population databases (rs780442778, gnomAD 0.03%). This variant has not been reported in the literature in individuals affected with ARHGAP31-related conditions. An algorithm developed to predict the effect of missense changes on protein structure and function (PolyPhen-2) suggests that this variant is likely to be disruptive. In summary, the available evidence is currently insufficient to determine the role of this variant in disease. Therefore, it has been classified as a Variant of Uncertain Significance.

Ambry Genetics
Classification: Uncertain significance for Inborn genetic diseases. Last evaluated: 2023-11-17. Review status: criteria provided, single submitter. Criteria: Ambry Variant Classification Scheme 2023. Collection method: clinical testing. Allele origin: germline.

NM_020754.4(ARHGAP31):c.1568A>G (p.Glu523Gly)

Gene: ARHGAP31 (Rho GTPase activating protein 31; plus strand). Cytogenetic location: 3q13.33.
Variant type: single nucleotide variant.
Coding change: c.1568A>G on transcript NM_020754.4 (MANE Select); coding-DNA position 1568, A replaced by G.
Protein change: p.Glu523Gly; replaces glutamic acid 523 with glycine.
Molecular consequence: missense variant.
Genome position (GRCh38, 1-based): chr3:119,402,320, A>G. VCF-style: chr3-119402320-A-G. GRCh37 (hg19) VCF-style: chr3-119121167-A-G.
Other names: short protein forms E523G.
Identifiers: ClinVar variation 3128746 (VCV003128746.3), dbSNP rs780442778, ClinGen allele CA2553849.
Genomic context (GRCh38, chr3:119,402,320, plus strand): 5'-GCACCAACAGCACGCCGTGCAGAACACCCCCGAAGGAGCTGCAGTCTCTTTCCAGCCTGG[A>G]AGAGTTTTCTTTTCATGGATCAGAGAGCGGAGGCTGGCCAGAAGAAGAGAAACCGCTGGG-3'
Protein context (NP_065805.2, residues 513-533): PKELQSLSSL[Glu523Gly]EFSFHGSESG